The following is an entry in ClinVar:

NM_152328.5(ADSS1):c.192+3_192+21del

Gene: ADSS1 (adenylosuccinate synthase 1; plus strand). Cytogenetic location: 14q32.33.
Variant type: Deletion.
Coding change: c.192+3_192+21del on transcript NM_152328.5 (MANE Select); bases 3 to 21 of the intron after coding-DNA position 192, 19 bases deleted (GCGGGCTGGGGCGCCGGGT).
Molecular consequence: splice donor variant. On other transcripts: genic upstream transcript variant (1).
Genome position (GRCh38, 1-based): chr14:104,724,465-104,724,483, GCGGGCTGGGGCGCCGGGT deleted; deleting any 19 consecutive bases within chr14:104,724,462-104,724,483 gives the same sequence; the c. name uses the placement nearest the transcript's 3' end. VCF-style (leftmost placement, unchanged base first): chr14-104724461-AGGTGCGGGCTGGGGCGCCG-A. GRCh37 (hg19) VCF-style: chr14-105190798-AGGTGCGGGCTGGGGCGCCG-A.
Other names: c.-5428_-5410del19 (NM_199165.2).
Identifiers: ClinVar variation 3251526 (VCV003251526.1), dbSNP rs1309741518.

ClinVar aggregate classification (germline): Uncertain significance (1 of 4 stars; one submission).

Submission:

Women's Health and Genetics/Laboratory Corporation of America, LabCorp
Classification: Uncertain significance. Last evaluated: 2024-04-04. Review status: criteria provided, single submitter. Criteria: LabCorp Variant Classification Summary - May 2015. Collection method: clinical testing. Allele origin: germline.
Comment: Variant summary: ADSS1 c.-5428_-5410del19 is located in the untranscribed region upstream of the ADSS1 gene region (NM_199165). However, this variant can be interpreted as c.192+3_192+21del in NM_152328. Computational tools predict this variant may impact the splicing of NM_152328 transcript: two predict that this variant abolishes a 5' splice donor site and two predict that this variant weakens a 5' splice donor site. The variant was absent in 31260 control chromosomes. The available data on variant occurrences in the general population are insufficient to allow any conclusion about variant significance. To our knowledge, no occurrence of c.-5428_-5410del19 in individuals affected with Myopathy, Distal, 5 and no experimental evidence demonstrating its impact on protein function have been reported. No submitters have cited clinical-significance assessments for this variant to ClinVar. Based on the evidence outlined aboe, the variant was classified as uncertain significance.